The following is an entry in ClinVar:

NM_001114753.3(ENG):c.920A>T (p.Asn307Ile)

Gene: ENG (endoglin; minus strand). Cytogenetic location: 9q34.11.
Variant type: single nucleotide variant.
Coding change: c.920A>T on transcript NM_001114753.3 (MANE Select); coding-DNA position 920, A replaced by T.
Protein change: p.Asn307Ile; replaces asparagine 307 with isoleucine.
Molecular consequence: missense variant.
Genome position (GRCh38, 1-based): chr9:127,824,871, T>A on the plus strand (A>T on the coding strand, the complement: ENG is on the minus strand). VCF-style: chr9-127824871-T-A. GRCh37 (hg19) VCF-style: chr9-130587150-T-A.
Other names: c.920A>T, p.Asn307Ile (NM_000118.4, NM_001406715.1); c.374A>T, p.Asn125Ile (NM_001278138.2); short protein forms N307I, N125I.
Identifiers: ClinVar variation 1766194 (VCV001766194.6), dbSNP rs779815395, ClinGen allele CA374982291.
Genomic context (GRCh38, chr9:127,824,871, plus strand): 5'-GCATGAAGTGAGACAATGCTGGCCAGCGGTAGCTCCACGAAGGATGCCACAATGCTGGCA[T>A]TGAGCATCCGGGCCTCCCCCAGGAGGCCTTGAGGTGTGTCTGGGAGCTTGAAGCCACGAA-3'
Protein context (NP_001108225.1, residues 297-317): QGLLGEARML[Asn307Ile]ASIVASFVEL

ClinVar aggregate classification (germline): Conflicting classifications of pathogenicity. Review status: criteria provided, conflicting classifications (1 of 4 stars). 3 submissions from 3 submitters: Likely pathogenic (1); Uncertain significance (2). Last evaluated 2023-05-29.

Conditions:
Cardiovascular phenotype. Identifiers: MedGen CN230736.
Hereditary hemorrhagic telangiectasia (HHT). Also called: ORW DISEASE; Osler Weber Rendu syndrome; OSLER-RENDU-WEBER DISEASE; Osler hemorrhagic telangiectasia syndrome. Identifiers: Orphanet 774, MedGen C0039445, MONDO:0019180. Disease mechanism: loss of function.

Submissions (3):

Labcorp Genetics (formerly Invitae), Labcorp
Classification: Likely pathogenic for Hereditary hemorrhagic telangiectasia. Last evaluated: 2023-05-29. Review status: criteria provided, single submitter. Criteria: Invitae Variant Classification Sherloc (09022015). Collection method: clinical testing. Allele origin: germline.
Comment: In summary, the currently available evidence indicates that the variant is pathogenic, but additional data are needed to prove that conclusively. Therefore, this variant has been classified as Likely Pathogenic. Advanced modeling of protein sequence and biophysical properties (such as structural, functional, and spatial information, amino acid conservation, physicochemical variation, residue mobility, and thermodynamic stability) performed at Invitae indicates that this missense variant is expected to disrupt ENG protein function. ClinVar contains an entry for this variant (Variation ID: 1766194). This missense change has been observed in individual(s) with hereditary hemorrhagic telangiectasia (Invitae). It has also been observed to segregate with disease in related individuals. This variant is not present in population databases (gnomAD no frequency). This sequence change replaces asparagine, which is neutral and polar, with isoleucine, which is neutral and non-polar, at codon 307 of the ENG protein (p.Asn307Ile).

Blueprint Genetics
Classification: Uncertain significance. Last evaluated: 2020-08-10. Review status: criteria provided, single submitter. Criteria: ACMG Guidelines, 2015. Collection method: clinical testing. Allele origin: germline.

Ambry Genetics
Classification: Uncertain significance for Cardiovascular phenotype. Last evaluated: 2020-03-05. Review status: criteria provided, single submitter. Criteria: Ambry Variant Classification Scheme 2023. Collection method: clinical testing. Allele origin: germline.
Comment: The p.N307I variant (also known as c.920A>T), located in coding exon 7 of the ENG gene, results from an A to T substitution at nucleotide position 920. The asparagine at codon 307 is replaced by isoleucine, an amino acid with dissimilar properties. This amino acid position is highly conserved in available vertebrate species. In addition, the in silico prediction for this alteration is inconclusive. Since supporting evidence is limited at this time, the clinical significance of this alteration remains unclear.